The following is an entry in ClinVar:

ClinVar aggregate classification (germline): Uncertain significance. Review status: criteria provided, multiple submitters, no conflicts (2 of 4 stars). 5 submissions from 5 submitters: Uncertain significance (5). Last evaluated 2025-10-29.

Conditions:
Cardiomyopathy (CMYO). Also called: Cardiomyopathies. Identifiers: Orphanet 167848, MedGen C0878544, MONDO:0004994, HP:0001638. Inheritance: Various modes of inheritance.
Familial isolated arrhythmogenic right ventricular dysplasia. Identifiers: Orphanet 217656, MedGen C4274968, MONDO:0016342.
Arrhythmogenic right ventricular dysplasia 11. Also called: Arrhythmogenic Right Ventricular Dysplasia/Cardiomyopathy11; ARRHYTHMOGENIC RIGHT VENTRICULAR DYSPLASIA, FAMILIAL, 11; Arrhythmogenic right ventricular dysplasia 11 with mild palmoplantar keratoderma and woolly hair. Identifiers: MedGen C1864850, MONDO:0012506, OMIM 610476.

Allele frequency attached by ClinVar (database versions not stated): gnomAD 0.00001; gnomAD exomes below 0.00001; TOPMed below 0.00001; ExAC 0.00001.
gnomAD v4.1: 5 of 1,613,396 alleles (0.00031%); highest among the groups gnomAD compares: African/African-American, 0.0027%; no homozygotes.

Submissions (5):

GeneDx
Classification: Uncertain significance. Last evaluated: 2025-10-29. Review status: criteria provided, single submitter. Criteria: GeneDx Variant Classification Process June 2021. Collection method: clinical testing. Allele origin: germline. Affected: yes.
Comment: Reported in a patient with a probable diagnosis of ARVC per task force criteria in published literature; Not observed at significant frequency in large population cohorts (gnomAD); In silico analysis supports that this missense variant has a deleterious effect on protein structure/function; This variant is associated with the following publications: (PMID: 23071725, 31402444, 28471438, 20031616)

All of Us Research Program, National Institutes of Health
Classification: Uncertain significance for Familial isolated arrhythmogenic right ventricular dysplasia. Last evaluated: 2024-05-14. Review status: criteria provided, single submitter. Criteria: ACMG Guidelines, 2015. Collection method: clinical testing. Allele origin: germline. Inheritance: Autosomal dominant inheritance. Observed: 2 variant alleles, 2 heterozygotes.
Comment: This missense variant replaces aspartic acid with tyrosine at codon 350 of the DSC2 protein. Computational prediction is inconclusive regarding the impact of this variant on protein structure and function (internally defined REVEL score threshold 0.5 < inconclusive < 0.7, PMID: 27666373). To our knowledge, functional studies have not been reported for this variant. This variant has been reported in an individual affected with probably arrhythmogenic right ventricular cardiomyopathy as well as two siblings with abnormal ECGs (PMID: 20031616). This variant has also been reported in an individual without a diagnosis of arrhythmogenic right ventricular cardiomyopathy (PMID: 28471438). This variant has been identified in 2/282446 chromosomes in the general population by the Genome Aggregation Database (gnomAD). The available evidence is insufficient to determine the role of this variant in disease conclusively. Therefore, this variant is classified as a Variant of Uncertain Significance.

This study involves interpretation of variants in research participants for the purpose of population health screening. Participant phenotype was not available at the time of variant classification. Additional details can be found in publication PMID: 35346344, PMCID: PMC8962531

Color Diagnostics, LLC DBA Color Health
Classification: Uncertain significance for Cardiomyopathy. Last evaluated: 2024-04-23. Review status: criteria provided, single submitter. Criteria: ACMG Guidelines, 2015. Collection method: clinical testing. Allele origin: germline.
Comment: This missense variant replaces aspartic acid with tyrosine at codon 350 of the DSC2 protein. Computational prediction is inconclusive regarding the impact of this variant on protein structure and function (internally defined REVEL score threshold 0.5 < inconclusive < 0.7, PMID: 27666373). To our knowledge, functional studies have not been reported for this variant. This variant has been reported in an individual affected with probably arrhythmogenic right ventricular cardiomyopathy as well as two siblings with abnormal ECGs (PMID: 20031616). This variant has also been reported in an individual without a diagnosis of arrhythmogenic right ventricular cardiomyopathy (PMID: 28471438). This variant has been identified in 2/282446 chromosomes in the general population by the Genome Aggregation Database (gnomAD). The available evidence is insufficient to determine the role of this variant in disease conclusively. Therefore, this variant is classified as a Variant of Uncertain Significance.

Fulgent Genetics
Classification: Uncertain significance for Arrhythmogenic right ventricular dysplasia 11. Last evaluated: 2021-10-07. Review status: criteria provided, single submitter. Criteria: ACMG Guidelines, 2015. Collection method: clinical testing. Allele origin: unknown.

Laboratory for Molecular Medicine, Mass General Brigham Personalized Medicine
Classification: Uncertain significance. Last evaluated: 2015-03-04. Review status: criteria provided, single submitter. Criteria: LMM Criteria. Collection method: clinical testing. Allele origin: germline. Observed: 1 variant allele.
Comment: This variant has also been identified in 1/10436 African chromosomes by the Exome Aggregation Consortium (ExAC). Computational prediction tools and conservation analysis suggest that i t may impact the protein, though this information is not predictive enough to de termine pathogenicity. In summary, the clinical significance of the p.Asp350Tyr variant is uncertain.

Literature cited by the submitters: PubMed 20031616 (cited by 3 submitters); PubMed 28471438 (cited by All of Us Research Program, National Institutes of Health and Color Diagnostics, LLC DBA Color Health).

NM_024422.6(DSC2):c.1048G>T (p.Asp350Tyr)

Gene: DSC2 (desmocollin 2; minus strand). Cytogenetic location: 18q12.1.
Variant type: single nucleotide variant.
Coding change: c.1048G>T on transcript NM_024422.6 (MANE Select); coding-DNA position 1048, G replaced by T.
Protein change: p.Asp350Tyr; replaces aspartic acid 350 with tyrosine.
Molecular consequence: missense variant.
Genome position (GRCh38, 1-based): chr18:31,082,955, C>A on the plus strand (G>T on the coding strand, the complement: DSC2 is on the minus strand). VCF-style: chr18-31082955-C-A. GRCh37 (hg19) VCF-style: chr18-28662921-C-A.
Other names: c.1048G>T, p.Asp350Tyr (NM_004949.5); short protein forms D350Y.
Identifiers: ClinVar variation 228620 (VCV000228620.13), dbSNP rs766413086, ClinGen allele CA029397.